The following is an entry in ClinVar:

NM_005996.4(TBX3):c.1893C>G (p.Asp631Glu)

Gene: TBX3 (T-box transcription factor 3; minus strand). Cytogenetic location: 12q24.21.
Variant type: single nucleotide variant.
Coding change: c.1893C>G on transcript NM_005996.4 (MANE Select); coding-DNA position 1893, C replaced by G.
Protein change: p.Asp631Glu; replaces aspartic acid 631 with glutamic acid.
Molecular consequence: missense variant.
Genome position (GRCh38, 1-based): chr12:114,672,120, G>C on the plus strand (C>G on the coding strand, the complement: TBX3 is on the minus strand). VCF-style: chr12-114672120-G-C. GRCh37 (hg19) VCF-style: chr12-115109925-G-C.
Other names: c.1953C>G, p.Asp651Glu (NM_016569.4); short protein forms D631E, D651E.
Identifiers: ClinVar variation 4983333 (VCV004983333.1).
Genomic context (GRCh38, chr12:114,672,120, plus strand): 5'-GTCCAGGGGCCCCGCGGCCGCCGCCATGGAGGGCAGGGCGGTGGTGAGCAGACTGCTGCC[G>C]TCCGGGACCGGCACCGGGATGGAGTAGGGGCTGTAGCGCAGCCGCGGGCGCATGGTGTTC-3'
Protein context (NP_005987.3, residues 621-641): SPYSIPVPVP[Asp631Glu]GSSLLTTALP

ClinVar aggregate classification (germline): Uncertain significance (1 of 4 stars; one submission).

Conditions:
TBX3-related disorder. Also called: TBX3-related condition.

Submission:

PreventionGenetics, part of Exact Sciences
Classification: Uncertain significance for TBX3-related condition. Last evaluated: 2025-12-19. Review status: criteria provided, single submitter. Criteria: ACMG Guidelines, 2015. Collection method: clinical testing. Allele origin: germline.
Comment: The TBX3 c.1953C>G variant is predicted to result in the amino acid substitution p.Asp651Glu. To our knowledge, this variant has not been reported in the literature or in a large population database (gnomAD), indicating this variant is rare. At this time, the clinical significance of this variant is uncertain due to the absence of conclusive functional and genetic evidence.